The following is an entry in ClinVar:

Conditions:
Breast-ovarian cancer, familial, susceptibility to, 1 (BROVCA1). Also called: BRCA1 Hereditary Breast and Ovarian Cancer; OVARIAN CANCER, SUSCEPTIBILITY TO. Identifiers: Orphanet 145, MedGen C2676676, MONDO:0011450, OMIM 604370. Disease mechanism: loss of function.

Submission:

Brotman Baty Institute, University of Washington
No classification provided (evidence only). Condition: Breast-ovarian cancer, familial 1. Review status: no classification provided. Collection method: in vitro. Allele origin: not applicable. Functional consequence: functionally_normal.
ClinVar note: "not provided" was previously submitted as the classification for the variant. However, the classification appeared to be based only on an observation of functional data so it was converted to no classification on 2025-07-30.

NM_007294.4(BRCA1):c.213G>A (p.Arg71=)

Gene: BRCA1 (BRCA1 DNA repair associated; minus strand). Cytogenetic location: 17q21.31.
Variant type: single nucleotide variant.
Coding change: c.213G>A on transcript NM_007294.4 (MANE Select); coding-DNA position 213, G replaced by A.
Protein change: p.Arg71=; no amino-acid change (arginine 71 retained).
Molecular consequence: synonymous variant. On other transcripts: missense variant (61), 5 prime UTR variant (7), nonsense (1), intron variant (2).
Genome position (GRCh38, 1-based): chr17:43,104,956, C>T on the plus strand (G>A on the coding strand, the complement: BRCA1 is on the minus strand). VCF-style: chr17-43104956-C-T. GRCh37 (hg19) VCF-style: chr17-41256973-C-T.
Other names: c.3G>A, p.Met1Ile (NM_001407571.1, NM_001407853.1, NM_001407879.1 and 58 more transcripts); c.213G>A, p.Arg71= (NM_001407581.1, NM_001407582.1, NM_001407583.1 and 168 more transcripts); c.135G>A, p.Lys45= (NM_001407653.1, NM_001407654.1, NM_001407655.1 and 21 more transcripts); c.72G>A, p.Arg24= (NM_001407692.1, NM_001407694.1, NM_001407695.1 and 99 more transcripts); c.-169G>A (NM_001407959.1, NM_001407960.1, NM_001407962.1 and 4 more transcripts); c.81G>A, p.Trp27Ter (NM_001408451.1); c.-218-10096G>A (NM_001407967.1, NM_001407966.1); short protein forms M1I, W27*.
Identifiers: ClinVar variation 867353 (VCV000867353.3), dbSNP rs1441240938, ClinGen allele CA500127712.
Genomic context (GRCh38, chr17:43,104,956, plus strand): 5'-ACAAATGATTTTCAATAGCTCTTCAACAAGTTGACTAAATCTCGTACTTTCTTGTAGGCT[C>T]CTGAAATTAAATTGTTTGAGAAACACACTCAGCAAGTGATTATCAACCTTTTAAGGACAC-3'
Protein context (NP_009225.1, residues 61-81): CPLCKNDITK[Arg71=]SLQESTRFSQ